The following is an entry in ClinVar:

ClinVar aggregate classification (germline): Likely pathogenic (1 of 4 stars; one submission).

Conditions:
Marfan syndrome (MFS). Also called: Marfan syndrome type 1; Marfan's syndrome; FBN1-Related Marfan Syndrome; MARFAN SYNDROME, TYPE I; Marfan syndrome, classic. Identifiers: Orphanet 284963, Orphanet 558, MedGen C0024796, MONDO:0007947, OMIM 154700.

Submission:

Centre of Medical Genetics, University of Antwerp
Classification: Likely pathogenic for Marfan syndrome. Last evaluated: 2021-03-01. Review status: criteria provided, single submitter. Criteria: Submitter's publication. Collection method: research. Allele origin: unknown. Affected: yes.
Comment: PM2, PS7, PP4

GRCh37/hg19 15q21.1(chr15:48722868-48726910)

Gene: FBN1 (fibrillin 1; minus strand). Cytogenetic location: 15q21.1.
Variant type: copy number loss.
Identifiers: ClinVar variation 1325467 (VCV001325467.2).